The following is an entry in ClinVar:

NM_001953.5(TYMP):c.418-1G>A

Gene: TYMP (thymidine phosphorylase; minus strand). Cytogenetic location: 22q13.33.
Variant type: single nucleotide variant.
Coding change: c.418-1G>A on transcript NM_001953.5 (MANE Select); the canonical splice acceptor site of the intron before coding-DNA position 418, G replaced by A.
Molecular consequence: splice acceptor variant.
Genome position (GRCh38, 1-based): chr22:50,528,611, C>T on the plus strand (G>A on the coding strand, the complement: TYMP is on the minus strand). VCF-style: chr22-50528611-C-T. GRCh37 (hg19) VCF-style: chr22-50967040-C-T.
Other names: c.418-1G>A (NM_001257989.1, NM_001257988.1, NM_001113755.3 and 2 more transcripts).
Identifiers: ClinVar variation 2679401 (VCV002679401.6), dbSNP rs2522539725, ClinGen allele CA412201891.
Genomic context (GRCh38, chr22:50,528,611, plus strand): 5'-CTCCAGCTTATCCAAGGTGCCTCCTGTGTGCCCCAGACCACGTCCGCTGATCATTGGCAC[C>T]TGGTGGTCAGGGATGCTGAGTACCCTGCACAGTACCCCTCCCCCACCTCTGTGCATCCCT-3'

ClinVar aggregate classification (germline): Likely pathogenic. Review status: criteria provided, multiple submitters, no conflicts (2 of 4 stars). 4 submissions from 4 submitters: Likely pathogenic (4). Last evaluated 2025-08-29.

Conditions:
Mitochondrial DNA depletion syndrome 1. Also called: Mitochondrial Neurogastrointestinal Encephalopathy Disease; MITOCHONDRIAL NEUROGASTROINTESTINAL ENCEPHALOPATHY SYNDROME, TYMP-RELATED; MNGIE, TYMP-RELATED; Mitochondrial neurogastrointestinal encephalomyopathy syndrome; Mitochondrial DNA Depletion Syndrome, MNGIE Form; POLIP SYNDROME. Identifiers: Orphanet 298, MedGen C4551995, MONDO:0011283, OMIM 603041.
Mitochondrial neurogastrointestinal encephalomyopathy. Also called: Mitochondrial neurogastrointestinal encephalopathy syndrome; MNGIE syndrome; Thymidine phosphorylase deficiency. Identifiers: Orphanet 298, MedGen C0872218, MONDO:0017575.

Allele frequency attached by ClinVar (database versions not stated): gnomAD exomes 0.00001.

Submissions (4):

Natera, Inc.
Classification: Likely pathogenic for Mitochondrial neurogastrointestinal encephalomyopathy. Last evaluated: 2025-08-29. Review status: criteria provided, single submitter. Criteria: Natera Variant Classification Schema (03/2026). Collection method: clinical testing. Allele origin: germline.
Comment: The c.418-1G>A variant in TYMP is a canonical splice acceptor site variant predicted to affect pre-mRNA splicing, which may result in an abnormal transcript and altered protein product. This variant is expected to result in nonsense mediated decay, truncation, or a dysfunctional protein product. This variant is rare in the general population with a frequency below the threshold expected for the associated phenotype(s). Given the available evidence, this variant is classified as Likely Pathogenic.

Fulgent Genetics
Classification: Likely pathogenic for Mitochondrial DNA depletion syndrome 1. Last evaluated: 2024-02-09. Review status: criteria provided, single submitter. Criteria: ACMG Guidelines, 2015. Collection method: clinical testing. Allele origin: germline.

Labcorp Genetics (formerly Invitae), Labcorp
Classification: Likely pathogenic. Last evaluated: 2023-08-02. Review status: criteria provided, single submitter. Criteria: Invitae Variant Classification Sherloc (09022015). Collection method: clinical testing. Allele origin: germline.
Comment: This sequence change affects an acceptor splice site in intron 3 of the TYMP gene. It is expected to disrupt RNA splicing. Variants that disrupt the donor or acceptor splice site typically lead to a loss of protein function (PMID: 16199547), and loss-of-function variants in TYMP are known to be pathogenic (PMID: 9924029, 15781193). In summary, the currently available evidence indicates that the variant is pathogenic, but additional data are needed to prove that conclusively. Therefore, this variant has been classified as Likely Pathogenic. Algorithms developed to predict the effect of sequence changes on RNA splicing suggest that this variant may disrupt the consensus splice site. Disruption of this splice site has been observed in individual(s) with TYMP-related conditions (PMID: 26264513). This variant is not present in population databases (gnomAD no frequency).

Baylor Genetics
Classification: Likely pathogenic for Mitochondrial DNA depletion syndrome 1. Last evaluated: 2022-06-02. Review status: criteria provided, single submitter. Criteria: ACMG Guidelines, 2015. Collection method: clinical testing. Allele origin: unknown.

Literature cited by the submitters: PubMed 16199547 (cited by Labcorp Genetics (formerly Invitae), Labcorp); PubMed 9924029 (cited by Labcorp Genetics (formerly Invitae), Labcorp); PubMed 15781193 (cited by Labcorp Genetics (formerly Invitae), Labcorp); PubMed 26264513 (cited by Labcorp Genetics (formerly Invitae), Labcorp).